The following is an entry in ClinVar:

NM_012479.4(YWHAG):c.89del (p.Val30fs)

Gene: YWHAG (tyrosine 3-monooxygenase/tryptophan 5-monooxygenase activation protein gamma; minus strand). Cytogenetic location: 7q11.23.
Variant type: Deletion.
Coding change: c.89del on transcript NM_012479.4 (MANE Select); coding-DNA position 89, one base deleted (T; older notation c.89delT).
Protein change: p.Val30fs; shifts the reading frame from valine 30.
Molecular consequence: frameshift variant.
Genome position (GRCh38, 1-based): chr7:76,330,232, A deleted on the plus strand (T on the coding strand, the reverse complement: YWHAG is on the minus strand). VCF-style (leftmost placement, unchanged base first): chr7-76330231-CA-C. GRCh37 (hg19) VCF-style: chr7-75959548-CA-C.
Other names: short protein forms V30fs.
Identifiers: ClinVar variation 1416114 (VCV001416114.8), dbSNP rs2115589280, ClinGen allele CA2573142324.
Genomic context (GRCh38, chr7:76,330,231, plus strand): 5'-CTTGTAGGCCACAGACAGAAGGTTTCGTTCCTCATTCGACAGTGGCTCATTCAGCTCTGT[CA>C]CCTGCCAGGAGGAAAGAACAGAGTTGTTATGGTACAGATGGTGTCCACTGGGTTAACTGT-3'

ClinVar aggregate classification (germline): Pathogenic (1 of 4 stars; one submission).

Submission:

Labcorp Genetics (formerly Invitae), Labcorp
Classification: Pathogenic. Last evaluated: 2024-04-17. Review status: criteria provided, single submitter. Criteria: Invitae Variant Classification Sherloc (09022015). Collection method: clinical testing. Allele origin: germline.
Comment: This sequence change creates a premature translational stop signal (p.Val30Glyfs*4) in the YWHAG gene. While this is not anticipated to result in nonsense mediated decay, it is expected to disrupt the last 218 amino acid(s) of the YWHAG protein. This variant is not present in population databases (gnomAD no frequency). This variant has not been reported in the literature in individuals affected with YWHAG-related conditions. ClinVar contains an entry for this variant (Variation ID: 1416114). This variant disrupts a region of the YWHAG protein in which other variant(s) (p.Ala193Serfs*17) have been determined to be pathogenic (Invitae). This suggests that this is a clinically significant region of the protein, and that variants that disrupt it are likely to be disease-causing. For these reasons, this variant has been classified as Pathogenic.